The following is an entry in ClinVar:

NM_001939.3(DRP2):c.355A>C (p.Ser119Arg)

Gene: DRP2 (dystrophin related protein 2; plus strand). Cytogenetic location: Xq22.1.
Variant type: single nucleotide variant.
Coding change: c.355A>C on transcript NM_001939.3 (MANE Select); coding-DNA position 355, A replaced by C.
Protein change: p.Ser119Arg; replaces serine 119 with arginine.
Molecular consequence: missense variant.
Genome position (GRCh38, 1-based): chrX:101,237,692, A>C. VCF-style: chrX-101237692-A-C. GRCh37 (hg19) VCF-style: chrX-100492681-A-C.
Other names: c.121A>C, p.Ser41Arg (NM_001171184.2); short protein forms S119R, S41R.
Identifiers: ClinVar variation 2871896 (VCV002871896.3), dbSNP rs1388829907, ClinGen allele CA413912436.

ClinVar aggregate classification (germline): Uncertain significance (1 of 4 stars; one submission).

Allele frequency attached by ClinVar (database versions not stated): gnomAD exomes 0.00002.
gnomAD v4.1: 10 of 1,179,888 alleles (0.00085%); highest among the groups gnomAD compares: Non-Finnish European, 0.001%; no homozygotes.

Submission:

Labcorp Genetics (formerly Invitae), Labcorp
Classification: Uncertain significance. Last evaluated: 2024-07-01. Review status: criteria provided, single submitter. Criteria: Invitae Variant Classification Sherloc (09022015). Collection method: clinical testing. Allele origin: germline.
Comment: This sequence change replaces serine, which is neutral and polar, with arginine, which is basic and polar, at codon 119 of the DRP2 protein (p.Ser119Arg). This variant is present in population databases (no rsID available, gnomAD 0.003%). This variant has not been reported in the literature in individuals affected with DRP2-related conditions. Advanced modeling of protein sequence and biophysical properties (such as structural, functional, and spatial information, amino acid conservation, physicochemical variation, residue mobility, and thermodynamic stability) performed at Invitae indicates that this missense variant is not expected to disrupt DRP2 protein function with a negative predictive value of 80%. In summary, the available evidence is currently insufficient to determine the role of this variant in disease. Therefore, it has been classified as a Variant of Uncertain Significance.